The following is an entry in ClinVar:

ClinVar aggregate classification (germline): Uncertain significance (1 of 4 stars; one submission).

Allele frequency attached by ClinVar (database versions not stated): gnomAD exomes below 0.00001 and 0.00001; TOPMed below 0.00001.
gnomAD v4.1: 17 of 1,613,188 alleles (0.0011%); highest among the groups gnomAD compares: Non-Finnish European, 0.0014%; no homozygotes.

Submission:

Laboratory for Molecular Medicine, Mass General Brigham Personalized Medicine
Classification: Uncertain significance. Last evaluated: 2016-06-21. Review status: criteria provided, single submitter. Criteria: LMM Criteria. Collection method: clinical testing. Allele origin: germline. Observed: 1 variant allele.
Comment: The p.Ala4168Thr variant in TTN has not been reported in individuals with cardio myopathy or in large population studies. Computational prediction tools and cons ervation analysis are limited or unavailable for this variant. In summary, the c linical significance of the p.Ala4168Thr variant is uncertain.

NM_133379.5(TTN):c.12502G>A (p.Ala4168Thr)

Gene: TTN (titin; minus strand). Cytogenetic location: 2q31.2.
Variant type: single nucleotide variant.
Coding change: c.12502G>A on transcript NM_133379.5; coding-DNA position 12502, G replaced by A.
Protein change: p.Ala4168Thr; replaces alanine 4168 with threonine.
Molecular consequence: missense variant. On other transcripts: intron variant (6).
Genome position (GRCh38, 1-based): chr2:178,749,898, C>T on the plus strand (G>A on the coding strand, the complement: TTN is on the minus strand). VCF-style: chr2-178749898-C-T. GRCh37 (hg19) VCF-style: chr2-179614625-C-T.
Other names: c.10222+3226G>A (NM_003319.4); c.10798+3226G>A (NM_133437.4); c.10597+3226G>A (NM_133432.3); c.10360+3226G>A (NM_133378.4, NM_001256850.1); c.11311+3226G>A (NM_001267550.2); short protein forms A4168T.
Identifiers: ClinVar variation 505126 (VCV000505126.5), dbSNP rs1367949983, ClinGen allele CA349655494.